The following is an entry in ClinVar:

ClinVar aggregate classification (germline): Uncertain significance (1 of 4 stars; one submission).

Allele frequency attached by ClinVar (database versions not stated): gnomAD exomes below 0.00001; ExAC 0.00002; gnomAD 0.00005 and 0.00006; TOPMed 0.00005.
gnomAD v4.1: 11 of 1,614,076 alleles (0.00068%); highest among the groups gnomAD compares: African/African-American, 0.012%; no homozygotes.

Submission:

Labcorp Genetics (formerly Invitae), Labcorp
Classification: Uncertain significance. Last evaluated: 2023-11-27. Review status: criteria provided, single submitter. Criteria: Invitae Variant Classification Sherloc (09022015). Collection method: clinical testing. Allele origin: germline.
Comment: This sequence change replaces threonine, which is neutral and polar, with serine, which is neutral and polar, at codon 351 of the STAMBP protein (p.Thr351Ser). This variant is present in population databases (rs774018752, gnomAD 0.02%). This variant has not been reported in the literature in individuals affected with STAMBP-related conditions. ClinVar contains an entry for this variant (Variation ID: 1467635). Advanced modeling of protein sequence and biophysical properties (such as structural, functional, and spatial information, amino acid conservation, physicochemical variation, residue mobility, and thermodynamic stability) performed at Invitae indicates that this missense variant is not expected to disrupt STAMBP protein function with a negative predictive value of 80%. In summary, the available evidence is currently insufficient to determine the role of this variant in disease. Therefore, it has been classified as a Variant of Uncertain Significance.

NM_213622.4(STAMBP):c.1052C>G (p.Thr351Ser)

Gene: STAMBP (STAM binding protein; plus strand). Cytogenetic location: 2p13.1.
Variant type: single nucleotide variant.
Coding change: c.1052C>G on transcript NM_213622.4 (MANE Select); coding-DNA position 1052, C replaced by G.
Protein change: p.Thr351Ser; replaces threonine 351 with serine.
Molecular consequence: missense variant. On other transcripts: non-coding transcript variant (4).
Genome position (GRCh38, 1-based): chr2:73,859,300, C>G. VCF-style: chr2-73859300-C-G. GRCh37 (hg19) VCF-style: chr2-74086427-C-G.
Other names: c.1052C>G, p.Thr351Ser (NM_001353967.2, NM_001353968.2, NM_001353969.2 and 3 more transcripts); c.647C>G, p.Thr216Ser (NM_001353971.2, NM_001353972.2, NM_001353973.2 and 3 more transcripts); short protein forms T216S, T351S.
Identifiers: ClinVar variation 1467635 (VCV001467635.6), dbSNP rs774018752, ClinGen allele CA1717696.